The following is an entry in ClinVar:

ClinVar aggregate classification (germline): Uncertain significance. Review status: criteria provided, multiple submitters, no conflicts (2 of 4 stars). 2 submissions from 2 submitters: Uncertain significance (2). Last evaluated 2024-12-27.

Conditions:
Fanconi anemia (FA). Also called: Fanconi's anemia. Identifiers: Orphanet 84, MedGen C0015625, MeSH D005199, MONDO:0019391.
Inborn genetic diseases. Identifiers: MedGen C0950123, MeSH D030342.

Submissions (2):

Ambry Genetics
Classification: Uncertain significance for Inborn genetic diseases. Last evaluated: 2024-12-27. Review status: criteria provided, single submitter. Criteria: Ambry Variant Classification Scheme 2023. Collection method: clinical testing. Allele origin: germline.
Comment: The p.T1963K variant (also known as c.5888C>A), located in coding exon 22 of the FANCM gene, results from a C to A substitution at nucleotide position 5888. The threonine at codon 1963 is replaced by lysine, an amino acid with similar properties. This amino acid position is conserved. In addition, this alteration is predicted to be tolerated by in silico analysis. Based on the available evidence, the clinical significance of this variant remains unclear.

Labcorp Genetics (formerly Invitae), Labcorp
Classification: Uncertain significance for Fanconi anemia. Last evaluated: 2023-10-22. Review status: criteria provided, single submitter. Criteria: Invitae Variant Classification Sherloc (09022015). Collection method: clinical testing. Allele origin: germline.
Comment: This sequence change replaces threonine, which is neutral and polar, with lysine, which is basic and polar, at codon 1963 of the FANCM protein (p.Thr1963Lys). This variant is not present in population databases (gnomAD no frequency). This variant has not been reported in the literature in individuals affected with FANCM-related conditions. ClinVar contains an entry for this variant (Variation ID: 2299214). An algorithm developed to predict the effect of missense changes on protein structure and function (PolyPhen-2) suggests that this variant is likely to be disruptive. In summary, the available evidence is currently insufficient to determine the role of this variant in disease. Therefore, it has been classified as a Variant of Uncertain Significance.

NM_020937.4(FANCM):c.5888C>A (p.Thr1963Lys)

Gene: FANCM (FA complementation group M; plus strand). Cytogenetic location: 14q21.2.
Variant type: single nucleotide variant.
Coding change: c.5888C>A on transcript NM_020937.4 (MANE Select); coding-DNA position 5888, C replaced by A.
Protein change: p.Thr1963Lys; replaces threonine 1963 with lysine.
Molecular consequence: missense variant.
Genome position (GRCh38, 1-based): chr14:45,198,815, C>A. VCF-style: chr14-45198815-C-A. GRCh37 (hg19) VCF-style: chr14-45668018-C-A.
Other names: c.5810C>A, p.Thr1937Lys (NM_001308133.2); short protein forms T1963K, T1937K.
Identifiers: ClinVar variation 2299214 (VCV002299214.6), dbSNP rs1204915873, ClinGen allele CA389587220.
Genomic context (GRCh38, chr14:45,198,815, plus strand): 5'-ATTTGCTAAAGGAACTGTCTTTAGTGGAACAAAGAAAGAATGTTGGTATTCATGTTCCAA[C>A]AGTGGTGAATAGTAATAAAAGTGAGGCACTCCAGTTTTATTTAAGTATTCCCAATATAAG-3'
Protein context (NP_065988.1, residues 1953-1973): QRKNVGIHVP[Thr1963Lys]VVNSNKSEAL